The following is an entry in ClinVar:

NM_005045.4(RELN):c.807G>T (p.Gly269=)

Gene: RELN (reelin; minus strand). Cytogenetic location: 7q22.1.
Variant type: single nucleotide variant.
Coding change: c.807G>T on transcript NM_005045.4 (MANE Select); coding-DNA position 807, G replaced by T.
Protein change: p.Gly269=; no amino-acid change (glycine 269 retained).
Molecular consequence: synonymous variant.
Genome position (GRCh38, 1-based): chr7:103,701,005, C>A on the plus strand (G>T on the coding strand, the complement: RELN is on the minus strand). VCF-style: chr7-103701005-C-A. GRCh37 (hg19) VCF-style: chr7-103341452-C-A.
Other names: p.Gly269=; c.807G>T, p.Gly269= (NM_173054.3).
Identifiers: ClinVar variation 779833 (VCV000779833.12), dbSNP rs374420536, ClinGen allele CA4422435.

ClinVar aggregate classification (germline): Likely benign. Review status: criteria provided, multiple submitters, no conflicts (2 of 4 stars). 3 submissions from 3 submitters: Likely benign (3). Last evaluated 2026-09-01.

Conditions:
Norman-Roberts syndrome (LIS2). Also called: Lissencephaly 2 (Norman-Roberts type). Identifiers: Orphanet 89844, MedGen C0796089, MONDO:0009760, OMIM 257320.
Familial temporal lobe epilepsy 7. Identifiers: Orphanet 101046, MedGen C4225327, MONDO:0014639, OMIM 616436.

Allele frequency attached by ClinVar (database versions not stated): TOPMed 0.00009; gnomAD 0.00010 and 0.00011; ExAC 0.00012; gnomAD exomes 0.00006; ESP Exome Variant Server 0.00008.
gnomAD v4.1: 155 of 1,578,376 alleles (0.0098%); highest among the groups gnomAD compares: Non-Finnish European, 0.013%; no homozygotes.

Submissions (3):

CeGaT Center for Human Genetics Tuebingen
Classification: Likely benign. Last evaluated: 2026-09-01. Review status: criteria provided, single submitter. Criteria: CeGaT Center For Human Genetics Tuebingen Variant Classification Criteria Version 2. Collection method: clinical testing. Allele origin: germline. Affected: yes. Observed: 1 variant allele.
Comment: RELN: BP4, BP7

Labcorp Genetics (formerly Invitae), Labcorp
Classification: Likely benign for Familial temporal lobe epilepsy 7; Norman-Roberts syndrome. Last evaluated: 2025-08-02. Review status: criteria provided, single submitter. Criteria: Invitae Variant Classification Sherloc (09022015). Collection method: clinical testing. Allele origin: germline.

Mayo Clinic Laboratories, Mayo Clinic
Classification: Likely benign. Last evaluated: 2025-03-17. Review status: criteria provided, single submitter. Criteria: ACMG Guidelines, 2015. Collection method: clinical testing. Allele origin: germline. Observed: 1 variant allele.
Comment: BP4, BP7